The following is an entry in ClinVar:

ClinVar aggregate classification (germline): Pathogenic (1 of 4 stars; one submission).

Conditions:
Short stature. Identifiers: MedGen C0349588, HP:0004322.

Submission:

Women's Health and Genetics/Laboratory Corporation of America, LabCorp
Classification: Pathogenic for Short Stature. Last evaluated: 2025-01-20. Review status: criteria provided, single submitter. Criteria: LabCorp Variant Classification Summary - May 2015. Collection method: clinical testing. Allele origin: germline.
Comment: Variant summary: SHOX c.278-1G>A is located in a canonical splice-site and is predicted to affect mRNA splicing resulting in a significantly altered protein due to either exon skipping, shortening, or inclusion of intronic material. Variants that disrupt the consensus splice site are a relatively common cause of aberrant splicing and loss of SHOX function. Several computational tools predict a significant impact on normal splicing: Four predict the variant abolishes a canonical 3' acceptor site. At least one publication reports experimental evidence that this variant affects mRNA splicing (Flanagan_2002). The variant was absent in 249946 control chromosomes. c.278-1G>A has been reported in the literature in multiple individuals affected with Madelung deformity (example: Flanagan_2002). These data indicate that the variant is very likely to be associated with disease. The following publication has been ascertained in the context of this evaluation (PMID: 12362035). No submitters have cited clinical-significance assessments for this variant to ClinVar. Based on the evidence outlined above, the variant was classified as pathogenic.

Literature cited by the submitters: PubMed 12424438; PubMed 11889216; PubMed 12362035.

NM_000451.4(SHOX):c.278-1G>A

Genes: SHOX (SHOX homeobox; plus strand), LOC107652445 (meiotic recombination hotspot SHOX; plus strand). Cytogenetic location: Xp22.33.
Variant type: single nucleotide variant.
Coding change: c.278-1G>A on transcript NM_000451.4 (MANE Select); the canonical splice acceptor site of the intron before coding-DNA position 278, G replaced by A.
Molecular consequence: splice acceptor variant.
Genome position (GRCh38, 1-based): chrX:634,617, G>A. VCF-style: chrX-634617-G-A. GRCh37 (hg19) VCF-style: chrX-595352-G-A.
Other names: c.278-1G>A (NM_006883.2).
Identifiers: ClinVar variation 3769513 (VCV003769513.2).